The following is an entry in ClinVar:

NM_001127671.2(LIFR):c.992-3_992-2del

Gene: LIFR (LIF receptor subunit alpha; minus strand). Cytogenetic location: 5p13.1.
Variant type: Deletion.
Coding change: c.992-3_992-2del on transcript NM_001127671.2 (MANE Select); 3 bases into the intron before coding-DNA position 992 through the canonical splice acceptor site of the intron before coding-DNA position 992, 2 bases deleted (TA; older notation c.992-3_992-2delTA).
Molecular consequence: splice acceptor variant.
Genome position (GRCh38, 1-based): chr5:38,506,634-38,506,635, TA deleted on the plus strand (TA on the coding strand, the reverse complement: LIFR is on the minus strand). VCF-style (leftmost placement, unchanged base first): chr5-38506633-CTA-C. GRCh37 (hg19) VCF-style: chr5-38506735-CTA-C.
Other names: c.992-3_992-2del (NM_002310.6, NM_001364298.2, NM_001364297.2); c.992-3_992-2delTA (NM_002310.5).
Identifiers: ClinVar variation 3592660 (VCV003592660.3).

ClinVar aggregate classification (germline): Likely pathogenic. Review status: criteria provided, multiple submitters, no conflicts (2 of 4 stars). 3 submissions from 3 submitters: Likely pathogenic (3). Last evaluated 2026-01-22.

Conditions:
Stuve-Wiedemann syndrome (STWS). Also called: Stüve-Wiedemann syndrome. Identifiers: Orphanet 3206, MedGen C0796176, MONDO:0031280.
Stüve-Wiedemann syndrome 1. Also called: STUVE-WIEDEMANN/SCHWARTZ-JAMPEL TYPE 2 SYNDROME. Identifiers: Orphanet 3206, MedGen C5676888, MONDO:0800043, OMIM 601559.

Submissions (3):

Labcorp Genetics (formerly Invitae), Labcorp
Classification: Likely pathogenic. Last evaluated: 2026-01-22. Review status: criteria provided, single submitter. Criteria: Invitae Variant Classification Sherloc (09022015). Collection method: clinical testing. Allele origin: germline.
Comment: This sequence change affects a splice site in intron 7 of the LIFR gene. It is expected to disrupt RNA splicing. Variants that disrupt the donor or acceptor splice site typically lead to a loss of protein function (PMID: 16199547), and loss-of-function variants in LIFR are known to be pathogenic (PMID: 14740318). This variant is present in population databases (no rsID available, gnomAD 0.0009%). This variant has not been reported in the literature in individuals affected with LIFR-related conditions. ClinVar contains an entry for this variant (Variation ID: 3592660). Algorithms developed to predict the effect of sequence changes on RNA splicing suggest that this variant may disrupt the consensus splice site. In summary, the currently available evidence indicates that the variant is pathogenic, but additional data are needed to prove that conclusively. Therefore, this variant has been classified as Likely Pathogenic.

Natera, Inc.
Classification: Likely pathogenic for Stuve-Wiedemann syndrome. Last evaluated: 2025-06-11. Review status: criteria provided, single submitter. Criteria: Natera Variant Classification Schema (03/2026). Collection method: clinical testing. Allele origin: germline.
Comment: The c.992-3_992-2delTA variant in LIFR is a deletion affecting a canonical splice acceptor site. This variant is expected to result in nonsense mediated decay, truncation, or a dysfunctional protein product. This variant is rare in the general population with a frequency below the threshold expected for the associated phenotype(s). Given the available evidence, this variant is classified as Likely Pathogenic.

Fulgent Genetics
Classification: Likely pathogenic for Stüve-Wiedemann syndrome 1. Last evaluated: 2024-06-12. Review status: criteria provided, single submitter. Criteria: ACMG Guidelines, 2015. Collection method: clinical testing. Allele origin: germline.

Literature cited by the submitters: PubMed 16199547 (cited by Labcorp Genetics (formerly Invitae), Labcorp); PubMed 14740318 (cited by Labcorp Genetics (formerly Invitae), Labcorp).